The following is an entry in ClinVar:

NM_003079.5(SMARCE1):c.93_94del (p.Tyr31_Ser32delinsTer)

Gene: SMARCE1 (SWI/SNF related BAF chromatin remodeling complex subunit E1; minus strand). Cytogenetic location: 17q21.2.
Variant type: Deletion.
Coding change: c.93_94del on transcript NM_003079.5 (MANE Select); coding-DNA positions 93 to 94, 2 bases deleted (CA; older notation c.93_94delCA).
Protein change: p.Tyr31_Ser32delinsTer.
Molecular consequence: nonsense.
Genome position (GRCh38, 1-based): chr17:40,642,517-40,642,518, TG deleted on the plus strand (CA on the coding strand, the reverse complement: SMARCE1 is on the minus strand); deleting any 2 consecutive bases within chr17:40,642,517-40,642,519 gives the same sequence; the c. name uses the placement nearest the transcript's 3' end. VCF-style (leftmost placement, unchanged base first): chr17-40642516-CTG-C. GRCh37 (hg19) VCF-style: chr17-38798768-CTG-C.
Identifiers: ClinVar variation 4727127 (VCV004727127.1).

ClinVar aggregate classification (germline): Pathogenic (1 of 4 stars; one submission).

Conditions:
Familial meningioma. Also called: Meningioma, familial, susceptibility to. Identifiers: Orphanet 263662, MedGen C3551915, MONDO:0011789, OMIM 607174.

Submission:

Labcorp Genetics (formerly Invitae), Labcorp
Classification: Pathogenic for Familial meningioma. Last evaluated: 2025-09-14. Review status: criteria provided, single submitter. Criteria: Invitae Variant Classification Sherloc (09022015). Collection method: clinical testing. Allele origin: germline.
Comment: This sequence change creates a premature translational stop signal (p.Tyr31*) in the SMARCE1 gene. It is expected to result in an absent or disrupted protein product. Loss-of-function variants in SMARCE1 are known to be pathogenic (PMID: 23377182). This variant is not present in population databases (gnomAD no frequency). This variant has not been reported in the literature in individuals affected with SMARCE1-related conditions. For these reasons, this variant has been classified as Pathogenic.

Literature cited by the submitters: PubMed 23377182.